The following is an entry in ClinVar:

NM_003238.6(TGFB2):c.1245A>T (p.Ter415Tyr)

Gene: TGFB2 (transforming growth factor beta 2; plus strand). Cytogenetic location: 1q41.
Variant type: single nucleotide variant.
Coding change: c.1245A>T on transcript NM_003238.6 (MANE Select); coding-DNA position 1245, A replaced by T.
Protein change: p.Ter415Tyr.
Molecular consequence: stop lost. On other transcripts: non-coding transcript variant (2).
Genome position (GRCh38, 1-based): chr1:218,441,362, A>T. VCF-style: chr1-218441362-A-T. GRCh37 (hg19) VCF-style: chr1-218614704-A-T.
Other names: c.1329A>T, p.Ter443Tyr (NM_001135599.4).
Identifiers: ClinVar variation 3729457 (VCV003729457.2).

ClinVar aggregate classification (germline): Uncertain significance (1 of 4 stars; one submission).

Conditions:
Loeys-Dietz syndrome 4 (LDS4). Also called: ANEURYSM, AORTIC AND CEREBRAL, WITH ARTERIAL TORTUOSITY AND SKELETAL MANIFESTATIONS; TGFB2-Related Loeys-Dietz Syndrome. Identifiers: MedGen C3553762, MONDO:0013897, OMIM 614816.

Submission:

Labcorp Genetics (formerly Invitae), Labcorp
Classification: Uncertain significance for Loeys-Dietz syndrome 4. Last evaluated: 2025-01-29. Review status: criteria provided, single submitter. Criteria: Invitae Variant Classification Sherloc (09022015). Collection method: clinical testing. Allele origin: germline.
Comment: This sequence change disrupts the translational stop signal of the TGFB2 mRNA. It is expected to extend the length of the TGFB2 protein by 39 additional amino acid residues. This variant is not present in population databases (gnomAD no frequency). This variant has not been reported in the literature in individuals affected with TGFB2-related conditions. Experimental studies and prediction algorithms are not available or were not evaluated, and the functional significance of this variant is currently unknown. In summary, the available evidence is currently insufficient to determine the role of this variant in disease. Therefore, it has been classified as a Variant of Uncertain Significance.